The following is an entry in ClinVar:

NM_001042750.2(STAG2):c.2972_2975dup (p.His992fs)

Gene: STAG2 (STAG2 cohesin complex component; plus strand). Cytogenetic location: Xq25.
Variant type: Duplication.
Coding change: c.2972_2975dup on transcript NM_001042750.2 (MANE Select); coding-DNA positions 2972 to 2975, 4 bases duplicated (GCCA; older notation c.2972_2975dupGCCA).
Protein change: p.His992fs; shifts the reading frame from histidine 992.
Molecular consequence: frameshift variant.
Genome position (GRCh38, 1-based): chrX:124,083,468-124,083,471, GCCA duplicated; duplicating any 4 consecutive bases within chrX:124,083,467-124,083,471 gives the same sequence; the c. name uses the placement nearest the transcript's 3' end. VCF-style (leftmost placement, unchanged base first): chrX-124083466-G-GAGCC. GRCh37 (hg19) VCF-style: chrX-123217316-G-GAGCC.
Other names: c.2972_2975dupGCCA (NM_001042749.2); c.2972_2975dup, p.His992fs (NM_001042749.2, NM_001042751.2, NM_001282418.2 and 23 more transcripts); short protein forms H992fs.
Identifiers: ClinVar variation 4998085 (VCV004998085.1).

ClinVar aggregate classification (germline): Likely pathogenic (1 of 4 stars; one submission).

Conditions:
STAG2-related disorder. Also called: STAG2-Related Disorders.

Submission:

PreventionGenetics, part of Exact Sciences
Classification: Likely pathogenic for STAG2-related condition. Last evaluated: 2025-07-06. Review status: criteria provided, single submitter. Criteria: ACMG Guidelines, 2015. Collection method: clinical testing. Allele origin: germline.
Comment: The STAG2 c.2972_2975dupGCCA variant is predicted to result in a frameshift and premature protein termination (p.His992Glnfs*11). To our knowledge, this variant has not been reported in the literature or in a large population database (gnomAD), indicating this variant is rare. Frameshift variants in STAG2 are expected to be pathogenic. This variant is interpreted as likely pathogenic.